The following is an entry in ClinVar:

ClinVar aggregate classification (germline): Uncertain significance (1 of 4 stars; one submission).

Conditions:
Combined immunodeficiency due to LRBA deficiency. Also called: Common variable immunodeficiency 8, with autoimmunity. Identifiers: Orphanet 445018, MedGen C3553512, MONDO:0013863, OMIM 614700.

Allele frequency attached by ClinVar (database versions not stated): TOPMed below 0.00001; ExAC 0.00002; gnomAD 0.00002; gnomAD exomes 0.00002.
gnomAD v4.1: 30 of 1,614,132 alleles (0.0019%); highest among the groups gnomAD compares: Non-Finnish European, 0.0025%; no homozygotes.

Submission:

Labcorp Genetics (formerly Invitae), Labcorp
Classification: Uncertain significance for Combined immunodeficiency due to LRBA deficiency. Last evaluated: 2022-11-15. Review status: criteria provided, single submitter. Criteria: Invitae Variant Classification Sherloc (09022015). Collection method: clinical testing. Allele origin: germline.
Comment: In summary, the available evidence is currently insufficient to determine the role of this variant in disease. Therefore, it has been classified as a Variant of Uncertain Significance. Advanced modeling of protein sequence and biophysical properties (such as structural, functional, and spatial information, amino acid conservation, physicochemical variation, residue mobility, and thermodynamic stability) performed at Invitae indicates that this missense variant is not expected to disrupt LRBA protein function. ClinVar contains an entry for this variant (Variation ID: 658960). This variant has not been reported in the literature in individuals affected with LRBA-related conditions. This variant is present in population databases (rs748548283, gnomAD 0.007%). This sequence change replaces valine, which is neutral and non-polar, with isoleucine, which is neutral and non-polar, at codon 57 of the LRBA protein (p.Val57Ile).

NM_001364905.1(LRBA):c.169G>A (p.Val57Ile)

Gene: LRBA (LPS responsive beige-like anchor protein; minus strand). Cytogenetic location: 4q31.3.
Variant type: single nucleotide variant.
Coding change: c.169G>A on transcript NM_001364905.1 (MANE Select); coding-DNA position 169, G replaced by A.
Protein change: p.Val57Ile; replaces valine 57 with isoleucine.
Molecular consequence: missense variant.
Genome position (GRCh38, 1-based): chr4:151,014,474, C>T on the plus strand (G>A on the coding strand, the complement: LRBA is on the minus strand). VCF-style: chr4-151014474-C-T. GRCh37 (hg19) VCF-style: chr4-151935626-C-T.
Other names: c.169G>A, p.Val57Ile (NM_001199282.3, NM_001367550.1, NM_006726.5); short protein forms V57I.
Identifiers: ClinVar variation 658960 (VCV000658960.8), dbSNP rs748548283, ClinGen allele CA3103957.
Genomic context (GRCh38, chr4:151,014,474, plus strand): 5'-TTCATGGACTTACCAGGTTAAAGACAGTTTCTACAATATCCCTATTGGATACTTCTCCAA[C>T]TTCAACCAAACCGGTCAACACGGCAAATTTCATTCTGATGCCCCTGATGGGGAGCCCTGG-3'
Protein context (NP_001351834.1, residues 47-67): KFAVLTGLVE[Val57Ile]GEVSNRDIVE